The following is an entry in ClinVar:

ClinVar aggregate classification (germline): Likely benign (1 of 4 stars; one submission).

Allele frequency attached by ClinVar (database versions not stated): gnomAD exomes 0.00002; gnomAD 0.00004; ExAC 0.00007.

Submission:

CeGaT Center for Human Genetics Tuebingen
Classification: Likely benign. Last evaluated: 2022-07-01. Review status: criteria provided, single submitter. Criteria: CeGaT Center For Human Genetics Tuebingen Variant Classification Criteria Version 2. Collection method: clinical testing. Allele origin: germline. Affected: yes. Observed: 2 variant alleles.
Comment: ZAN: BP4, BP7

NM_003386.3(ZAN):c.2358A>G (p.Lys786=)

Gene: ZAN (zonadhesin; plus strand). Cytogenetic location: 7q22.1.
Variant type: single nucleotide variant.
Coding change: c.2358A>G on transcript NM_003386.3 (MANE Select); coding-DNA position 2358, A replaced by G.
Protein change: p.Lys786=; no amino-acid change (lysine 786 retained).
Molecular consequence: synonymous variant. On other transcripts: non-coding transcript variant (3).
Genome position (GRCh38, 1-based): chr7:100,752,463, A>G. VCF-style: chr7-100752463-A-G. GRCh37 (hg19) VCF-style: chr7-100350086-A-G.
Other names: c.2358A>G, p.Lys786= (NM_173059.3).
Identifiers: ClinVar variation 2657769 (VCV002657769.24), dbSNP rs772020669, ClinGen allele CA4390356.